The following is an entry in ClinVar:

ClinVar aggregate classification (germline): Benign (1 of 4 stars; one submission).

Conditions:
Leigh syndrome (NULS). Also called: Leigh's necrotizing encephalopathy; Leigh's disease; Leigh Syndrome (mtDNA deletion); Leigh Disease; Subacute necrotizing encephalopathy; Necrotizing encephalopathy infantile subacute of Leigh. Identifiers: Orphanet 506, MedGen C2931891, MONDO:0009723, OMIM 256000.

Submission:

Wong Mito Lab, Molecular and Human Genetics, Baylor College of Medicine
Classification: Benign for Leigh syndrome. Last evaluated: 2019-10-17. Review status: criteria provided, single submitter. Criteria: Modified ACMG Guidelines (Unpublished). Collection method: clinical testing. Allele origin: germline.
Comment: The NC_012920.1:m.8433T>C (YP_003024030.1:p.Ile23Thr) variant in MTATP8 gene is interpretated to be a Benign variant based on the modified ACMG guidelines (unpublished). This variant meets the following evidence codes: BS1, BS2

NC_012920.1(MT-ATP8):m.8433T>C

Gene: MT-ATP8 (mitochondrially encoded ATP synthase 8; plus strand).
Variant type: single nucleotide variant.
Genome position: chrM-8433-T-C.
Identifiers: ClinVar variation 692856 (VCV000692856.1), dbSNP rs1603221480, ClinGen allele CA414796079.